The following is an entry in ClinVar:

ClinVar aggregate classification (germline): Likely pathogenic (1 of 4 stars; one submission).

Allele frequency attached by ClinVar (database versions not stated): gnomAD exomes below 0.00001.
gnomAD v4.1: 1 of 1,613,288 alleles (0.000062%); highest among the groups gnomAD compares: Non-Finnish European, 0.000085%; no homozygotes.

Submission:

Labcorp Genetics (formerly Invitae), Labcorp
Classification: Likely pathogenic. Last evaluated: 2023-05-22. Review status: criteria provided, single submitter. Criteria: Invitae Variant Classification Sherloc (09022015). Collection method: clinical testing. Allele origin: germline.
Comment: This variant has not been reported in the literature in individuals affected with SLC12A1-related conditions. In summary, the currently available evidence indicates that the variant is pathogenic, but additional data are needed to prove that conclusively. Therefore, this variant has been classified as Likely Pathogenic. Algorithms developed to predict the effect of sequence changes on RNA splicing suggest that this variant may disrupt the consensus splice site. This variant is not present in population databases (gnomAD no frequency). This sequence change affects an acceptor splice site in intron 17 of the SLC12A1 gene. It is expected to disrupt RNA splicing. Variants that disrupt the donor or acceptor splice site typically lead to a loss of protein function (PMID: 16199547), and loss-of-function variants in SLC12A1 are known to be pathogenic (PMID: 8640224, 9585600, 19096086).

Literature cited by the submitters: PubMed 16199547; PubMed 8640224; PubMed 9585600; PubMed 19096086.

NM_000338.3(SLC12A1):c.2155-1G>C

Gene: SLC12A1 (solute carrier family 12 member 1; plus strand). Cytogenetic location: 15q21.1.
Variant type: single nucleotide variant.
Coding change: c.2155-1G>C on transcript NM_000338.3 (MANE Select); the canonical splice acceptor site of the intron before coding-DNA position 2155, G replaced by C.
Molecular consequence: splice acceptor variant.
Genome position (GRCh38, 1-based): chr15:48,267,560, G>C. VCF-style: chr15-48267560-G-C. GRCh37 (hg19) VCF-style: chr15-48559757-G-C.
Other names: c.2155-1G>C (NM_001384136.1, NM_001184832.2).
Identifiers: ClinVar variation 2821753 (VCV002821753.3), dbSNP rs1486622300, ClinGen allele CA392314803.
Genomic context (GRCh38, chr15:48,267,560, plus strand): 5'-AACAACAGCAATGTGATATATAATAGCAGGGTTCTAACCAATATTTCATTGTGTCACACA[G>C]GGACCGCGCAAACTGTGTGTTAAGGAGATGAACAGTGGCATGGCGAAAAAACAGGCCTGG-3'